The following is an entry in ClinVar:

NM_000548.5(TSC2):c.4528T>A (p.Phe1510Ile)

Gene: TSC2 (TSC complex subunit 2; plus strand). Cytogenetic location: 16p13.3.
Variant type: single nucleotide variant.
Coding change: c.4528T>A on transcript NM_000548.5 (MANE Select); coding-DNA position 4528, T replaced by A.
Protein change: p.Phe1510Ile; replaces phenylalanine 1510 with isoleucine.
Molecular consequence: missense variant.
Genome position (GRCh38, 1-based): chr16:2,084,985, T>A. VCF-style: chr16-2084985-T-A. GRCh37 (hg19) VCF-style: chr16-2134986-T-A.
Other names: c.4327T>A, p.Phe1443Ile (NM_001077183.3); c.4459T>A, p.Phe1487Ile (NM_001114382.3); c.4219T>A, p.Phe1407Ile (NM_001318827.2); c.4183T>A, p.Phe1395Ile (NM_001318829.2); c.3796T>A, p.Phe1266Ile (NM_001318831.2); c.4360T>A, p.Phe1454Ile (NM_001318832.2); c.4330T>A, p.Phe1444Ile (NM_001363528.2); c.4396T>A, p.Phe1466Ile (NM_001370404.1); and 1 more; short protein forms F1466I, F1487I, F1467I, F1266I, F1510I, F1395I, F1407I, F1443I.
Identifiers: ClinVar variation 1040073 (VCV001040073.9), dbSNP rs2090583733, ClinGen allele CA394302847.

ClinVar aggregate classification (germline): Uncertain significance (1 of 4 stars; one submission).

Conditions:
Tuberous sclerosis 2 (TSC2). Identifiers: Orphanet 805, MedGen C1860707, MONDO:0013199, OMIM 613254.

Submission:

Labcorp Genetics (formerly Invitae), Labcorp
Classification: Uncertain significance for Tuberous sclerosis 2. Last evaluated: 2023-05-27. Review status: criteria provided, single submitter. Criteria: Invitae Variant Classification Sherloc (09022015). Collection method: clinical testing. Allele origin: germline.
Comment: In summary, the available evidence is currently insufficient to determine the role of this variant in disease. Therefore, it has been classified as a Variant of Uncertain Significance. Advanced modeling of protein sequence and biophysical properties (such as structural, functional, and spatial information, amino acid conservation, physicochemical variation, residue mobility, and thermodynamic stability) performed at Invitae indicates that this missense variant is not expected to disrupt TSC2 protein function. ClinVar contains an entry for this variant (Variation ID: 1040073). This variant has not been reported in the literature in individuals affected with TSC2-related conditions. This variant is not present in population databases (gnomAD no frequency). This sequence change replaces phenylalanine, which is neutral and non-polar, with isoleucine, which is neutral and non-polar, at codon 1510 of the TSC2 protein (p.Phe1510Ile).